The following is an entry in ClinVar:

NM_001005373.4(LRSAM1):c.1239G>T (p.Leu413Phe)

Gene: LRSAM1 (leucine rich repeat and sterile alpha motif containing 1; plus strand). Cytogenetic location: 9q33.3.
Variant type: single nucleotide variant.
Coding change: c.1239G>T on transcript NM_001005373.4 (MANE Select); coding-DNA position 1239, G replaced by T.
Protein change: p.Leu413Phe; replaces leucine 413 with phenylalanine.
Molecular consequence: missense variant. On other transcripts: non-coding transcript variant (2).
Genome position (GRCh38, 1-based): chr9:127,485,815, G>T. VCF-style: chr9-127485815-G-T. GRCh37 (hg19) VCF-style: chr9-130248094-G-T.
Other names: c.1239G>T, p.Leu413Phe (NM_001005374.4, NM_001190723.3, NM_001384142.1 and 2 more transcripts); c.450G>T, p.Leu150Phe (NM_001384144.1); short protein forms L150F, L413F.
Identifiers: ClinVar variation 1413339 (VCV001413339.9), dbSNP rs751314768, ClinGen allele CA5246899.

ClinVar aggregate classification (germline): Uncertain significance. Review status: criteria provided, multiple submitters, no conflicts (2 of 4 stars). 2 submissions from 2 submitters: Uncertain significance (2). Last evaluated 2025-12-02.

Conditions:
LRSAM1-related disorder. Also called: LRSAM1-related condition.
Charcot-Marie-Tooth disease axonal type 2P. Also called: CHARCOT-MARIE-TOOTH NEUROPATHY, TYPE 2P; CHARCOT-MARIE-TOOTH DISEASE, AXONAL, TYPE 2G; CMT 2G; Charcot-Marie-Tooth Neuropathy Type 2G. Identifiers: Orphanet 300319, Orphanet 99941, MedGen C3280797, MONDO:0013753, OMIM 614436.

Allele frequency attached by ClinVar (database versions not stated): gnomAD exomes 0.00001 and 0.00003; ExAC 0.00002; gnomAD 0.00002; TOPMed 0.00002.
gnomAD v4.1: 25 of 1,614,024 alleles (0.0015%); highest among the groups gnomAD compares: Non-Finnish European, 0.0019%; no homozygotes.

Submissions (2):

PreventionGenetics, part of Exact Sciences
Classification: Uncertain significance for LRSAM1-related condition. Last evaluated: 2025-12-02. Review status: criteria provided, single submitter. Criteria: ACMG Guidelines, 2015. Collection method: clinical testing. Allele origin: germline.
Comment: The LRSAM1 c.1239G>T variant is predicted to result in the amino acid substitution p.Leu413Phe. To our knowledge, this variant has not been reported in the literature. This variant is reported in 0.0053% of alleles in individuals of European (Non-Finnish) descent in gnomAD. At this time, the clinical significance of this variant is uncertain due to the absence of conclusive functional and genetic evidence.

Labcorp Genetics (formerly Invitae), Labcorp
Classification: Uncertain significance for Charcot-Marie-Tooth disease axonal type 2P. Last evaluated: 2023-04-25. Review status: criteria provided, single submitter. Criteria: Invitae Variant Classification Sherloc (09022015). Collection method: clinical testing. Allele origin: germline.
Comment: This sequence change replaces leucine, which is neutral and non-polar, with phenylalanine, which is neutral and non-polar, at codon 413 of the LRSAM1 protein (p.Leu413Phe). This variant is present in population databases (rs751314768, gnomAD 0.005%). This variant has not been reported in the literature in individuals affected with LRSAM1-related conditions. ClinVar contains an entry for this variant (Variation ID: 1413339). Advanced modeling of protein sequence and biophysical properties (such as structural, functional, and spatial information, amino acid conservation, physicochemical variation, residue mobility, and thermodynamic stability) has been performed at Invitae for this missense variant, however the output from this modeling did not meet the statistical confidence thresholds required to predict the impact of this variant on LRSAM1 protein function. In summary, the available evidence is currently insufficient to determine the role of this variant in disease. Therefore, it has been classified as a Variant of Uncertain Significance.